The following is an entry in ClinVar:

NM_014956.5(CEP164):c.347del (p.Lys116fs)

Gene: CEP164 (centrosomal protein 164; plus strand). Cytogenetic location: 11q23.3.
Variant type: Deletion.
Coding change: c.347del on transcript NM_014956.5 (MANE Select); coding-DNA position 347, one base deleted (A; older notation c.347delA).
Protein change: p.Lys116fs; shifts the reading frame from lysine 116.
Molecular consequence: frameshift variant.
Genome position (GRCh38, 1-based): chr11:117,351,942, A deleted; the last of 11 consecutive A bases (chr11:117,351,932-117,351,942); deleting any one gives the same sequence. VCF-style (leftmost placement, unchanged base first): chr11-117351931-GA-G. GRCh37 (hg19) VCF-style: chr11-117222647-GA-G.
Other names: c.347del, p.Lys116fs (NM_001271933.2); c.347delA (NM_014956.4); short protein forms K116fs.
Identifiers: ClinVar variation 993033 (VCV000993033.17), dbSNP rs751277203, ClinGen allele CA6294399.

ClinVar aggregate classification (germline): Conflicting classifications of pathogenicity. Review status: criteria provided, conflicting classifications (1 of 4 stars). 7 submissions from 7 submitters: Likely pathogenic (1); Uncertain significance (3); Benign (2). 1 of the submissions does not count toward it. Last evaluated 2026-03-26.

Conditions:
CEP164-related disorder. Also called: CEP164-related condition.
Nephronophthisis 15 (NPHP15). Identifiers: Orphanet 3156, MedGen C3541853, MONDO:0013917, OMIM 614845.

Submissions (7):

Dasa
Classification: Uncertain significance for Nephronophthisis 15. Last evaluated: 2026-03-26. Review status: criteria provided, single submitter. Criteria: DASA Assertion Criteria. Collection method: clinical testing. Allele origin: germline.
Comment: NM_014956.5(CEP164):c.347del (p.Lys116Argfs*22) is a frameshift variant in CEP164 predicted to alter the reading frame and introduce a premature termination codon and is predicted to result in an absent or altered protein product. This classification is supported by population frequency inconsistent with a disease-causing role. The currently available literature and clinical evidence are not sufficient to establish a definitive association between this variant and the reported condition. Therefore, this variant is classified as a variant of uncertain significance.

PreventionGenetics, part of Exact Sciences
Classification: Likely pathogenic for CEP164-related condition. Last evaluated: 2026-01-08. Review status: criteria provided, single submitter. Criteria: ACMG Guidelines, 2015. Collection method: clinical testing. Allele origin: germline.
Comment: The CEP164 c.347delA variant is predicted to result in a frameshift and premature protein termination (p.Lys116Argfs*22). To our knowledge, this variant has not been reported in the literature. This variant is reported in ~5.9% of alleles in individuals of Latino descent in gnomAD v2.1.1 with a warning that allele frequency estimates may not be reliable due to this variant being part of a poly-A repeat (a low complexity region). However, in gnomAD v4.1.0 (available only on GRCh38), this variant is reported in ~1.7% of alleles in individuals of both Latino and European (Finnish) descents without warnings. Of note, in both gnomAD v2.1.1 and v4.1.0, no homozygotes are listed. Frameshift variants in CEP164 are expected to be pathogenic. This variant is interpreted as likely pathogenic.

Labcorp Genetics (formerly Invitae), Labcorp
Classification: Benign for Nephronophthisis 15. Last evaluated: 2026-01-06. Review status: criteria provided, single submitter. Criteria: Invitae Variant Classification Sherloc (09022015). Collection method: clinical testing. Allele origin: germline.

Blueprint Genetics
Classification: Uncertain significance. Last evaluated: 2024-10-29. Review status: criteria provided, single submitter. Criteria: ACMG Guidelines, 2015. Collection method: clinical testing. Allele origin: germline.

Fulgent Genetics
Classification: Uncertain significance for Nephronophthisis 15. Last evaluated: 2024-02-01. Review status: criteria provided, single submitter. Criteria: ACMG Guidelines, 2015. Collection method: clinical testing. Allele origin: germline.

GeneDx
Classification: Benign. Last evaluated: 2021-12-16. Review status: criteria provided, single submitter. Criteria: GeneDx Variant Classification Process June 2021. Collection method: clinical testing. Allele origin: germline. Affected: yes.

Biochemical Molecular Genetic Laboratory, King Abdulaziz Medical City
Classification: Likely pathogenic for Nephronophthisis 15. Last evaluated: 2020-10-11. Review status: no assertion criteria provided. Collection method: clinical testing. Allele origin: germline. Affected: yes. Not counted in ClinVar's aggregate classification.